The following is an entry in ClinVar:

ClinVar aggregate classification (germline): Uncertain significance. Review status: criteria provided, multiple submitters, no conflicts (2 of 4 stars). 2 submissions from 2 submitters: Uncertain significance (2). Last evaluated 2025-11-14.

Allele frequency attached by ClinVar (database versions not stated): gnomAD exomes 0.00017; ExAC 0.00004; ESP Exome Variant Server 0.00023; gnomAD 0.00004; TOPMed 0.00004.
gnomAD v4.1: 206 of 1,375,504 alleles (0.015%); highest among the groups gnomAD compares: Non-Finnish European, 0.021%; no homozygotes.

Submissions (2):

Women's Health and Genetics/Laboratory Corporation of America, LabCorp
Classification: Uncertain significance. Last evaluated: 2025-11-14. Review status: criteria provided, single submitter. Criteria: LabCorp Variant Classification Summary - May 2015. Collection method: clinical testing. Allele origin: germline.
Comment: Variant summary: TUSC3 NM_006765.4 c.*46+1G>A is located in the untranslated mRNA region (3' UTR) and affects a canonical splice-site. Since this variant affects an atypical splice-site therefore in silico tools provide no reliable predictions for the variant effect (although one predictor indicates the variant abolishes the splice-site). In addition, the neighboring exon is missing in an alternative transcript, where this variant corresponds to a deep intronic nucleotide and is annotated as NM_178234.2 c.1029-6347G>A. However, these predictions have yet to be confirmed by functional studies. The variant allele was found at a frequency of 0.00015 (i.e. in 206 carriers) in 1368942 control chromosomes (gnomAD v4.1). This frequency is not significantly higher than estimated for disease-causing variants in TUSC3, allowing no conclusion about variant significance. To our knowledge, no occurrence of c.*46+1G>A in individuals affected with TUSC3-related conditions and no experimental evidence demonstrating its impact on protein function have been reported. ClinVar contains an entry for this variant (Variation ID: 1703334). Based on the evidence outlined above, the variant was classified as uncertain significance.

GeneDx
Classification: Uncertain significance. Last evaluated: 2023-07-05. Review status: criteria provided, single submitter. Criteria: GeneDx Variant Classification Process June 2021. Collection method: clinical testing. Allele origin: germline.
Comment: Canonical splice site variant with an unclear effect on protein function; Not observed at significant frequency in large population cohorts (gnomAD); Has not been previously published as pathogenic or benign to our knowledge

NM_006765.4(TUSC3):c.*46+1G>A

Gene: TUSC3 (tumor suppressor candidate 3; plus strand). Cytogenetic location: 8p22.
Variant type: single nucleotide variant.
Coding change: c.*46+1G>A on transcript NM_006765.4 (MANE Select); the canonical splice donor site of the intron after 46 bases downstream of the stop codon, G replaced by A.
Molecular consequence: splice donor variant. On other transcripts: 3 prime UTR variant (1), intron variant (15).
Genome position (GRCh38, 1-based): chr8:15,757,856, G>A. VCF-style: chr8-15757856-G-A. GRCh37 (hg19) VCF-style: chr8-15615365-G-A.
Other names: c.*47G>A (NM_001413689.1); c.969-6347G>A (NM_001413670.1); c.861-6347G>A (NM_001413672.1, NM_001413669.1); c.*46+1G>A (NM_001413671.1, NM_001413583.1, NM_001356429.2); c.1029-6347G>A (NM_178234.2); c.937+14244G>A (NM_001413685.1, NM_001413679.1); c.1028+9391G>A (NM_001413684.1); c.938-6347G>A (NM_001413674.1); and 7 more.
Identifiers: ClinVar variation 1703334 (VCV001703334.4), dbSNP rs373581974, ClinGen allele CA4640801.